The following is an entry in ClinVar:

ClinVar aggregate classification (germline): Uncertain significance (1 of 4 stars; one submission).

Submission:

Labcorp Genetics (formerly Invitae), Labcorp
Classification: Uncertain significance. Last evaluated: 2022-09-22. Review status: criteria provided, single submitter. Criteria: Invitae Variant Classification Sherloc (09022015). Collection method: clinical testing. Allele origin: germline.
Comment: This variant has not been reported in the literature in individuals affected with CTNNA1-related conditions. In summary, the available evidence is currently insufficient to determine the role of this variant in disease. Therefore, it has been classified as a Variant of Uncertain Significance. RNA analysis performed to evaluate the impact of this missense change on mRNA splicing indicates it does not significantly alter splicing (Invitae). Advanced modeling of protein sequence and biophysical properties (such as structural, functional, and spatial information, amino acid conservation, physicochemical variation, residue mobility, and thermodynamic stability) performed at Invitae indicates that this missense variant is expected to disrupt CTNNA1 protein function. This variant is not present in population databases (gnomAD no frequency). This sequence change replaces alanine, which is neutral and non-polar, with proline, which is neutral and non-polar, at codon 385 of the CTNNA1 protein (p.Ala385Pro).

NM_001903.5(CTNNA1):c.1153G>C (p.Ala385Pro)

Gene: CTNNA1 (catenin alpha 1; plus strand). Cytogenetic location: 5q31.2.
Variant type: single nucleotide variant.
Coding change: c.1153G>C on transcript NM_001903.5 (MANE Select); coding-DNA position 1153, G replaced by C.
Protein change: p.Ala385Pro; replaces alanine 385 with proline.
Molecular consequence: missense variant. On other transcripts: 5 prime UTR variant (5), intron variant (2).
Genome position (GRCh38, 1-based): chr5:138,887,499, G>C. VCF-style: chr5-138887499-G-C. GRCh37 (hg19) VCF-style: chr5-138223188-G-C.
Other names: c.1153G>C, p.Ala385Pro (NM_001290307.3, NM_001323982.2, NM_001323983.1 and 3 more transcripts); c.844G>C, p.Ala282Pro (NM_001290309.3); c.784G>C, p.Ala262Pro (NM_001290310.3); c.43G>C, p.Ala15Pro (NM_001290312.1, NM_001323987.1, NM_001323988.1 and 18 more transcripts); c.-355G>C (NM_001324006.1, NM_001324007.1, NM_001324008.1 and 1 more transcripts); c.-230G>C (NM_001324013.1); c.-58+11902G>C (NM_001324012.1); c.-61+11902G>C (NM_001324010.1); short protein forms A15P, A262P, A282P, A385P.
Identifiers: ClinVar variation 1720046 (VCV001720046.5), dbSNP rs1163870840, ClinGen allele CA361132918.